The following is an entry in ClinVar:

NM_201384.3(PLEC):c.174+10del

Gene: PLEC (plectin; minus strand). Cytogenetic location: 8q24.3.
Variant type: Deletion.
Coding change: c.174+10del on transcript NM_201384.3 (MANE Select); 10 bases into the intron after coding-DNA position 174, one base deleted (G; older notation c.174+10delG).
Molecular consequence: intron variant.
Genome position (GRCh38, 1-based): chr8:143,938,621, C deleted on the plus strand (G on the coding strand, the reverse complement: PLEC is on the minus strand). VCF-style (leftmost placement, unchanged base first): chr8-143938620-GC-G. GRCh37 (hg19) VCF-style: chr8-145012788-GC-G.
Other names: p.?; c.255+10del (NM_000445.5, NM_000445.4); c.132+10del (NM_201378.4); c.108+10del (NM_201379.3); c.585+10del (NM_201380.4); c.78+10del (NM_201381.3); c.174+10del (NM_201382.4); c.186+10del (NM_201383.3); and 1 more.
Identifiers: ClinVar variation 167515 (VCV000167515.20), dbSNP rs528031000, ClinGen allele CA234699.

ClinVar aggregate classification (germline): Conflicting classifications of pathogenicity. Review status: criteria provided, conflicting classifications (1 of 4 stars). 8 submissions from 8 submitters: Uncertain significance (1); Likely benign (5). 2 of the submissions do not count toward it. Last evaluated 2026-01-23.

Conditions:
Epidermolysis bullosa simplex, Ogna type (EBS5A). Also called: Pidermolysis bullosa simplex 5A, Ogna type; EPIDERMOLYSIS BULLOSA SIMPLEX 5A, OGNA TYPE. Identifiers: Orphanet 79401, MedGen C0432317, MONDO:0007555, OMIM 131950.
Epidermolysis bullosa simplex with nail dystrophy (EBS5D). Identifiers: MedGen C4225309, MONDO:0014661, OMIM 616487.
Epidermolysis bullosa simplex 5C, with pyloric atresia (EBS5C). Also called: Epidermolysis bullosa simplex with pyloric atresia; PLEC-Related Epidermolysis Bullosa with Pyloric Atresia; PLEC1-Related Epidermolysis Bullosa with Pyloric Atresia. Identifiers: Orphanet 158684, MedGen C2677349, MONDO:0012807, OMIM 612138.
Autosomal recessive limb-girdle muscular dystrophy type 2Q (LGMDR17). Also called: MUSCULAR DYSTROPHY, LIMB-GIRDLE, AUTOSOMAL RECESSIVE 17. Identifiers: Orphanet 254361, MedGen C3150989, MONDO:0013390, OMIM 613723.
Epidermolysis bullosa simplex 5B, with muscular dystrophy (EBS5B). Also called: EPIDERMOLYSIS BULLOSA SIMPLEX AND LIMB-GIRDLE MUSCULAR DYSTROPHY; Epidermolysis bullosa simplex with muscular dystrophy. Identifiers: Orphanet 257, MedGen C2931072, MONDO:0009181, OMIM 226670.

Allele frequency attached by ClinVar (database versions not stated): 1000 Genomes Project 30x 0.00094; 1000 Genomes Project 0.00100; ExAC 0.00109; gnomAD exomes 0.00111 and 0.00231; TOPMed 0.00118; gnomAD 0.00134 and 0.00139; ESP Exome Variant Server 0.00192.

Submissions (8):

Labcorp Genetics (formerly Invitae), Labcorp
Classification: Likely benign for Autosomal recessive limb-girdle muscular dystrophy type 2Q; Epidermolysis bullosa simplex, Ogna type; Epidermolysis bullosa simplex with nail dystrophy; Epidermolysis bullosa simplex 5C, with pyloric atresia; Epidermolysis bullosa simplex 5B, with muscular dystrophy. Last evaluated: 2026-01-23. Review status: criteria provided, single submitter. Criteria: Invitae Variant Classification Sherloc (09022015). Collection method: clinical testing. Allele origin: germline.

Mayo Clinic Laboratories, Mayo Clinic
Classification: Likely benign. Last evaluated: 2025-02-10. Review status: criteria provided, single submitter. Criteria: ACMG Guidelines, 2015. Collection method: clinical testing. Allele origin: germline. Observed: 6 variant alleles.
Comment: BP4, BP7

Blueprint Genetics
Classification: Likely benign. Last evaluated: 2024-11-19. Review status: criteria provided, single submitter. Criteria: ACMG Guidelines, 2015. Collection method: clinical testing. Allele origin: germline.

Eurofins Ntd Llc (ga)
Classification: Uncertain significance. Last evaluated: 2018-08-16. Review status: criteria provided, single submitter. Criteria: EGL ClinVar v180209 classification definitions. Collection method: clinical testing. Allele origin: germline. Observed: 30 variant alleles, 16 heterozygotes.

GeneDx
Classification: Likely benign. Last evaluated: 2018-04-20. Review status: criteria provided, single submitter. Criteria: GeneDx Variant Classification Process June 2021. Collection method: clinical testing. Allele origin: germline. Affected: yes.

Athena Diagnostics
Classification: Likely benign. Last evaluated: 2017-05-03. Review status: criteria provided, single submitter. Criteria: Athena Diagnostics Criteria. Collection method: clinical testing. Allele origin: germline.

Clinical Genetics DNA and cytogenetics Diagnostics Lab, Erasmus MC, Erasmus Medical Center
Classification: Likely benign. Review status: no assertion criteria provided. Collection method: clinical testing. Allele origin: germline. Affected: yes. Study: VKGL Data-share Consensus. Not counted in ClinVar's aggregate classification.

Laboratory of Diagnostic Genome Analysis, Leiden University Medical Center (LUMC)
Classification: Likely benign. Review status: no assertion criteria provided. Collection method: clinical testing. Allele origin: germline. Affected: yes. Study: VKGL Data-share Consensus. Not counted in ClinVar's aggregate classification.